The following is an entry in ClinVar:

ClinVar aggregate classification (germline): Likely pathogenic (1 of 4 stars; one submission).

Conditions:
SALL1-related disorder. Also called: SALL1-related condition.

Submission:

PreventionGenetics, part of Exact Sciences
Classification: Likely pathogenic for SALL1-related condition. Last evaluated: 2025-07-08. Review status: criteria provided, single submitter. Criteria: ACMG Guidelines, 2015. Collection method: clinical testing. Allele origin: germline.
Comment: The SALL1 c.1265delT variant is predicted to result in a frameshift and premature protein termination (p.Leu422Trpfs*71). To our knowledge, this variant has not been reported in the literature or in a large population database (gnomAD), indicating this variant is rare. Frameshift variants in SALL1 are expected to be pathogenic. This variant is interpreted as likely pathogenic.

NM_002968.3(SALL1):c.1265del (p.Leu422fs)

Gene: SALL1 (spalt like transcription factor 1; minus strand). Cytogenetic location: 16q12.1.
Variant type: Deletion.
Coding change: c.1265del on transcript NM_002968.3 (MANE Select); coding-DNA position 1265, one base deleted (T; older notation c.1265delT).
Protein change: p.Leu422fs; shifts the reading frame from leucine 422.
Molecular consequence: frameshift variant.
Genome position (GRCh38, 1-based): chr16:51,140,957, A deleted on the plus strand (T on the coding strand, the reverse complement: SALL1 is on the minus strand); the first of 2 consecutive A bases (chr16:51,140,957-51,140,958); deleting either gives the same sequence. VCF-style (leftmost placement, unchanged base first): chr16-51140956-CA-C. GRCh37 (hg19) VCF-style: chr16-51174867-CA-C.
Other names: c.974del, p.Leu325fs (NM_001127892.2); c.1265delT (NM_002968.2); short protein forms L325fs, L422fs.
Identifiers: ClinVar variation 4999145 (VCV004999145.1).